The following is an entry in ClinVar:

ClinVar aggregate classification (germline): Uncertain significance. Review status: criteria provided, multiple submitters, no conflicts (2 of 4 stars). 2 submissions from 2 submitters: Uncertain significance (2). Last evaluated 2026-07-27.

Conditions:
Ehlers-Danlos syndrome, type 4 (EDSVASC). Also called: Ehlers-Danlos syndrome vascular type; Ehlers Danlos syndrome, ecchymotic type; Ehlers Danlos syndrome, arterial type; Ehlers Danlos syndrome, Sack-Barabas type; Ehlers-Danlos Syndrome Type IV. Identifiers: Orphanet 286, MedGen C0268338, MONDO:0017314, OMIM 130050.

Submissions (2):

GeneDx
Classification: Uncertain significance. Last evaluated: 2026-07-27. Review status: criteria provided, single submitter. Criteria: GeneDx Variant Classification Process June 2021. Collection method: clinical testing. Allele origin: germline.
Comment: Not observed at significant frequency in large population cohorts (gnomAD); In silico analysis supports that this missense variant has a deleterious effect on protein structure/function; Occurs in the triple helical domain at the Y position in the canonical Gly-X-Y repeat; although this variant may have an effect on normal protein folding and function, missense substitution at the Y position is not a common mechanism of disease (HGMD); Has not been previously published as pathogenic or benign to our knowledge; Also known as p.(P795L)

Labcorp Genetics (formerly Invitae), Labcorp
Classification: Uncertain significance for Ehlers-Danlos syndrome, type 4. Last evaluated: 2025-06-06. Review status: criteria provided, single submitter. Criteria: Invitae Variant Classification Sherloc (09022015). Collection method: clinical testing. Allele origin: germline.
Comment: This sequence change replaces proline, which is neutral and non-polar, with leucine, which is neutral and non-polar, at codon 962 of the COL3A1 protein (p.Pro962Leu). This variant is not present in population databases (gnomAD no frequency). This variant has not been reported in the literature in individuals affected with COL3A1-related conditions. ClinVar contains an entry for this variant (Variation ID: 3361293). Invitae Evidence Modeling of protein sequence and biophysical properties (such as structural, functional, and spatial information, amino acid conservation, physicochemical variation, residue mobility, and thermodynamic stability) has been performed for this missense variant. However, the output from this modeling did not meet the statistical confidence thresholds required to predict the impact of this variant on COL3A1 protein function. Algorithms developed to predict the effect of sequence changes on RNA splicing suggest that this variant may disrupt the consensus splice site. In summary, the available evidence is currently insufficient to determine the role of this variant in disease. Therefore, it has been classified as a Variant of Uncertain Significance.

NM_000090.4(COL3A1):c.2885C>T (p.Pro962Leu)

Gene: COL3A1 (collagen type III alpha 1 chain; plus strand). Cytogenetic location: 2q32.2.
Variant type: single nucleotide variant.
Coding change: c.2885C>T on transcript NM_000090.4 (MANE Select); coding-DNA position 2885, C replaced by T.
Protein change: p.Pro962Leu; replaces proline 962 with leucine.
Molecular consequence: missense variant.
Genome position (GRCh38, 1-based): chr2:189,004,318, C>T. VCF-style: chr2-189004318-C-T. GRCh37 (hg19) VCF-style: chr2-189869044-C-T.
Other names: short protein forms P962L.
Identifiers: ClinVar variation 3361293 (VCV003361293.3).